The following is an entry in ClinVar:

ClinVar aggregate classification (germline): Uncertain significance (1 of 4 stars; one submission).

Submission:

Labcorp Genetics (formerly Invitae), Labcorp
Classification: Uncertain significance. Last evaluated: 2023-07-29. Review status: criteria provided, single submitter. Criteria: Invitae Variant Classification Sherloc (09022015). Collection method: clinical testing. Allele origin: germline.
Comment: In summary, the available evidence is currently insufficient to determine the role of this variant in disease. Therefore, it has been classified as a Variant of Uncertain Significance. An algorithm developed to predict the effect of missense changes on protein structure and function (PolyPhen-2) suggests that this variant is likely to be disruptive. This variant has not been reported in the literature in individuals affected with MSH3-related conditions. This variant is not present in population databases (gnomAD no frequency). This sequence change replaces glycine, which is neutral and non-polar, with glutamic acid, which is acidic and polar, at codon 1031 of the MSH3 protein (p.Gly1031Glu).

NM_002439.5(MSH3):c.3092G>A (p.Gly1031Glu)

Gene: MSH3 (mutS homolog 3; plus strand). Cytogenetic location: 5q14.1.
Variant type: single nucleotide variant.
Coding change: c.3092G>A on transcript NM_002439.5 (MANE Select); coding-DNA position 3092, G replaced by A.
Protein change: p.Gly1031Glu; replaces glycine 1031 with glutamic acid.
Molecular consequence: missense variant.
Genome position (GRCh38, 1-based): chr5:80,864,904, G>A. VCF-style: chr5-80864904-G-A. GRCh37 (hg19) VCF-style: chr5-80160723-G-A.
Other names: short protein forms G1031E.
Identifiers: ClinVar variation 2748051 (VCV002748051.3), dbSNP rs1183003748, ClinGen allele CA360346380.